The following is an entry in ClinVar:

ClinVar aggregate classification (germline): Uncertain significance (1 of 4 stars; one submission).

Submission:

Labcorp Genetics (formerly Invitae), Labcorp
Classification: Uncertain significance. Last evaluated: 2024-02-24. Review status: criteria provided, single submitter. Criteria: Invitae Variant Classification Sherloc (09022015). Collection method: clinical testing. Allele origin: germline.
Comment: This sequence change replaces serine, which is neutral and polar, with threonine, which is neutral and polar, at codon 1807 of the ABCA4 protein (p.Ser1807Thr). This variant is not present in population databases (gnomAD no frequency). This variant has not been reported in the literature in individuals affected with ABCA4-related conditions. ClinVar contains an entry for this variant (Variation ID: 1468055). Algorithms developed to predict the effect of missense changes on protein structure and function output the following: SIFT: "Not Available"; PolyPhen-2: "Benign"; Align-GVGD: "Not Available". The threonine amino acid residue is found in multiple mammalian species, which suggests that this missense change does not adversely affect protein function. In summary, the available evidence is currently insufficient to determine the role of this variant in disease. Therefore, it has been classified as a Variant of Uncertain Significance.

NM_000350.3(ABCA4):c.5420G>C (p.Ser1807Thr)

Gene: ABCA4 (ATP binding cassette subfamily A member 4; minus strand). Cytogenetic location: 1p22.1.
Variant type: single nucleotide variant.
Coding change: c.5420G>C on transcript NM_000350.3 (MANE Select); coding-DNA position 5420, G replaced by C.
Protein change: p.Ser1807Thr; replaces serine 1807 with threonine.
Molecular consequence: missense variant.
Genome position (GRCh38, 1-based): chr1:94,014,583, C>G on the plus strand (G>C on the coding strand, the complement: ABCA4 is on the minus strand). VCF-style: chr1-94014583-C-G. GRCh37 (hg19) VCF-style: chr1-94480139-C-G.
Other names: c.5198G>C, p.Ser1733Thr (NM_001425324.1); short protein forms S1807T, S1733T.
Identifiers: ClinVar variation 1468055 (VCV001468055.6), dbSNP rs761435921, ClinGen allele CA341281310.